The following is an entry in ClinVar:

NM_017534.6(MYH2):c.341T>C (p.Met114Thr)

Genes: MYH2 (myosin heavy chain 2; minus strand), MYHAS (myosin heavy chain gene cluster antisense RNA; plus strand). Cytogenetic location: 17p13.1.
Variant type: single nucleotide variant.
Coding change: c.341T>C on transcript NM_017534.6 (MANE Select); coding-DNA position 341, T replaced by C.
Protein change: p.Met114Thr; replaces methionine 114 with threonine.
Molecular consequence: missense variant.
Genome position (GRCh38, 1-based): chr17:10,547,482, A>G on the plus strand (T>C on the coding strand, the complement: MYH2 is on the minus strand). VCF-style: chr17-10547482-A-G. GRCh37 (hg19) VCF-style: chr17-10450799-A-G.
Other names: c.341T>C, p.Met114Thr (NM_001100112.2); short protein forms M114T.
Identifiers: ClinVar variation 3342132 (VCV003342132.16).
Genomic context (GRCh38, chr17:10,547,482, plus strand): 5'-GATGGTAGGGTACATGAGGATGATTATACAGAGCACTGGCAGGGGACACTCACGTAGATC[A>G]TCCAGGCTGCATAACGTTCTTTGAGGTTGTACAGCACAGCAGGCTCATGCAGATGAGTCA-3'
Protein context (NP_060004.3, residues 104-124): YNLKERYAAW[Met114Thr]IYTYSGLFCV

ClinVar aggregate classification (germline): Uncertain significance (1 of 4 stars; one submission).

Submission:

CeGaT Center for Human Genetics Tuebingen
Classification: Uncertain significance. Last evaluated: 2024-09-01. Review status: criteria provided, single submitter. Criteria: CeGaT Center For Human Genetics Tuebingen Variant Classification Criteria Version 2. Collection method: clinical testing. Allele origin: germline. Affected: yes. Observed: 2 variant alleles.
Comment: MYH2: PM2, PP3, BP2